The following is an entry in ClinVar:

NM_001286.5(CLCN6):c.722T>G (p.Phe241Cys)

Gene: CLCN6 (Cl-/H+ antiporter 6; plus strand). Cytogenetic location: 1p36.22.
Variant type: single nucleotide variant.
Coding change: c.722T>G on transcript NM_001286.5 (MANE Select); coding-DNA position 722, T replaced by G.
Protein change: p.Phe241Cys; replaces phenylalanine 241 with cysteine.
Molecular consequence: missense variant.
Genome position (GRCh38, 1-based): chr1:11,827,103, T>G. VCF-style: chr1-11827103-T-G. GRCh37 (hg19) VCF-style: chr1-11887160-T-G.
Other names: c.656T>G, p.Phe219Cys (NM_001256959.2); short protein forms F219C, F241C.
Identifiers: ClinVar variation 1410812 (VCV001410812.6), dbSNP rs759941293, ClinGen allele CA596220.

ClinVar aggregate classification (germline): Uncertain significance (1 of 4 stars; one submission).

Allele frequency attached by ClinVar (database versions not stated): ExAC 0.00001; gnomAD exomes 0.00001.
gnomAD v4.1: 58 of 1,613,790 alleles (0.0036%); highest among the groups gnomAD compares: Non-Finnish European, 0.0048%; no homozygotes.

Submission:

Labcorp Genetics (formerly Invitae), Labcorp
Classification: Uncertain significance. Last evaluated: 2024-09-17. Review status: criteria provided, single submitter. Criteria: Invitae Variant Classification Sherloc (09022015). Collection method: clinical testing. Allele origin: germline.
Comment: This sequence change replaces phenylalanine, which is neutral and non-polar, with cysteine, which is neutral and slightly polar, at codon 241 of the CLCN6 protein (p.Phe241Cys). This variant is present in population databases (rs759941293, gnomAD 0.004%). This variant has not been reported in the literature in individuals affected with CLCN6-related conditions. ClinVar contains an entry for this variant (Variation ID: 1410812). An algorithm developed to predict the effect of missense changes on protein structure and function (PolyPhen-2) suggests that this variant is likely to be disruptive. In summary, the available evidence is currently insufficient to determine the role of this variant in disease. Therefore, it has been classified as a Variant of Uncertain Significance.